The following is an entry in ClinVar:

ClinVar aggregate classification (germline): Uncertain significance (1 of 4 stars; one submission).

Submission:

Centre for Mendelian Genomics, University Medical Centre Ljubljana
Classification: Uncertain significance. Last evaluated: 2019-03-07. Review status: criteria provided, single submitter. Criteria: ACMG Guidelines, 2015. Collection method: clinical testing. Allele origin: unknown. Affected: yes.
Comment: This variant was classified as: Uncertain significance. The available evidence on this variant's pathogenicity is insufficient or conflicting. The following ACMG criteria were applied in classifying this variant: PM2,PP3,BS2.

NM_014521.3(SH3BP4):c.1403A>G (p.Asp468Gly)

Gene: SH3BP4 (SH3 domain binding protein 4; plus strand). Cytogenetic location: 2q37.2.
Variant type: single nucleotide variant.
Coding change: c.1403A>G on transcript NM_014521.3 (MANE Select); coding-DNA position 1403, A replaced by G.
Protein change: p.Asp468Gly; replaces aspartic acid 468 with glycine.
Molecular consequence: missense variant.
Genome position (GRCh38, 1-based): chr2:235,042,172, A>G. VCF-style: chr2-235042172-A-G. GRCh37 (hg19) VCF-style: chr2-235950816-A-G.
Other names: c.1403A>G, p.Asp468Gly (NM_001371302.1, NM_001371303.1, NM_001371304.1 and 2 more transcripts); short protein forms D468G.
Identifiers: ClinVar variation 931375 (VCV000931375.3), dbSNP rs1695679016, ClinGen allele CA351158638.
Genomic context (GRCh38, chr2:235,042,172, plus strand): 5'-GTATGTACGTGGCTGTCGTGGCCCATGGCCCAAGCATCCTCTACCCTTCCACCGTGTGGG[A>G]CTTCATCAATAAAAAAGTCACAGTGGGTCTCTACGGCCCTAAACACATCCACCCATCCTT-3'
Protein context (NP_055336.1, residues 458-478): PSILYPSTVW[Asp468Gly]FINKKVTVGL